The following is an entry in ClinVar:

NM_005591.4(MRE11):c.1225+2T>C

Gene: MRE11 (MRE11 double strand break repair nuclease; minus strand). Cytogenetic location: 11q21.
Variant type: single nucleotide variant.
Coding change: c.1225+2T>C on transcript NM_005591.4 (MANE Select); the canonical splice donor site of the intron after coding-DNA position 1225, T replaced by C.
Molecular consequence: splice donor variant.
Genome position (GRCh38, 1-based): chr11:94,464,111, A>G on the plus strand (T>C on the coding strand, the complement: MRE11 is on the minus strand). VCF-style: chr11-94464111-A-G. GRCh37 (hg19) VCF-style: chr11-94197277-A-G.
Other names: c.1225+2T>C (NM_001330347.2, NM_005590.4).
Identifiers: ClinVar variation 818640 (VCV000818640.8), dbSNP rs145058858, ClinGen allele CA6235135.

ClinVar aggregate classification (germline): Pathogenic/Likely pathogenic. Review status: criteria provided, multiple submitters, no conflicts (2 of 4 stars). 2 submissions from 2 submitters: Pathogenic (1); Likely pathogenic (1). Last evaluated 2019-05-16.

Conditions:
Hereditary cancer-predisposing syndrome. Also called: Tumor predisposition; Hereditary neoplastic syndrome; Neoplastic Syndromes, Hereditary; Hereditary Cancer Syndrome. Identifiers: Orphanet 140162, MedGen C0027672, MeSH D009386, MONDO:0015356.
Ataxia-telangiectasia-like disorder 1 (ATLD1). Identifiers: Orphanet 251347, MedGen C4012790, MONDO:0024557, OMIM 604391.

Allele frequency attached by ClinVar (database versions not stated): gnomAD exomes below 0.00001 and 0.00001; ExAC 0.00001.
gnomAD v4.1: 2 of 1,612,890 alleles (0.00012%); highest among the groups gnomAD compares: Middle Eastern, 0.018%; no homozygotes.

Submissions (2):

Revvity Omics, Revvity
Classification: Pathogenic for Ataxia-telangiectasia-like disorder 1. Last evaluated: 2019-05-16. Review status: criteria provided, single submitter. Criteria: ACMG Guidelines, 2015. Collection method: clinical testing. Allele origin: germline.

Ambry Genetics
Classification: Likely pathogenic for Hereditary cancer-predisposing syndrome. Last evaluated: 2017-12-04. Review status: criteria provided, single submitter. Criteria: Ambry Variant Classification Scheme 2023. Collection method: clinical testing. Allele origin: germline.
Comment: The c.1225+2T>C intronic variant results from a T to C substitution two nucleotides after coding exon 10 in the MRE11A gene. This nucleotide position is highly conserved in available vertebrate species. Using two different splice site prediction tools, this alteration is predicted by BDGP to abolish the native splice donor site, but is predicted to weaken (but not abolish) the efficiency of the native splice donor site by ESEfinder; however, direct evidence is unavailable. Alterations that disrupt the canonical splice site are expected to cause aberrant splicing, resulting in an abnormal protein or a transcript that is subject to nonsense-mediated mRNA decay. As such, this alteration is classified as likely pathogenic.